The following is an entry in ClinVar:

ClinVar aggregate classification (germline): Likely benign. Review status: criteria provided, multiple submitters, no conflicts (2 of 4 stars). 2 submissions from 2 submitters: Likely benign (2). Last evaluated 2026-04-01.

Conditions:
Hypertrophic cardiomyopathy. Also called: HYPERTROPHIC MYOCARDIOPATHY. Identifiers: Orphanet 217569, MedGen C0007194, MeSH D002312, MONDO:0005045, HP:0001639.

Allele frequency attached by ClinVar (database versions not stated): gnomAD exomes below 0.00001.
gnomAD v4.1: 2 of 1,614,172 alleles (0.00012%); highest among the groups gnomAD compares: South Asian, 0.0022%; no homozygotes.

Submissions (2):

CeGaT Center for Human Genetics Tuebingen
Classification: Likely benign. Last evaluated: 2026-04-01. Review status: criteria provided, single submitter. Criteria: CeGaT Center For Human Genetics Tuebingen Variant Classification Criteria Version 2. Collection method: clinical testing. Allele origin: germline. Affected: yes. Observed: 1 variant allele.
Comment: MYH7: BP4, BP7

Labcorp Genetics (formerly Invitae), Labcorp
Classification: Likely benign for Hypertrophic cardiomyopathy. Last evaluated: 2022-02-06. Review status: criteria provided, single submitter. Criteria: Invitae Variant Classification Sherloc (09022015). Collection method: clinical testing. Allele origin: germline.

NM_000257.4(MYH7):c.465C>T (p.Phe155=)

Gene: MYH7 (myosin heavy chain 7; minus strand). Cytogenetic location: 14q11.2.
Variant type: single nucleotide variant.
Coding change: c.465C>T on transcript NM_000257.4 (MANE Select); coding-DNA position 465, C replaced by T.
Protein change: p.Phe155=; no amino-acid change (phenylalanine 155 retained).
Molecular consequence: synonymous variant.
Genome position (GRCh38, 1-based): chr14:23,432,676, G>A on the plus strand (C>T on the coding strand, the complement: MYH7 is on the minus strand). VCF-style: chr14-23432676-G-A. GRCh37 (hg19) VCF-style: chr14-23901885-G-A.
Identifiers: ClinVar variation 1546847 (VCV001546847.10), dbSNP rs747935479, ClinGen allele CA485626429.